The following continues an entry in ClinVar:

NM_000235.4(LIPA):c.894G>A (p.Gln298=)

Gene: LIPA. ClinVar aggregate classification (germline): Pathogenic/Likely pathogenic. Pathogenic (27); Likely pathogenic (3).

Submissions 25 to 45 of 49:

Illumina Laboratory Services, Illumina
Classification: Pathogenic for LIPA-Related Disorders. Last evaluated: 2017-09-18. Review status: criteria provided, single submitter. Criteria: ICSL Variant Classification Criteria 09 May 2019. Collection method: clinical testing. Allele origin: germline.
Comment: Across a selection of the available literature, the LIPA c.894G>A (p.Gln298Gln) splice_region variant, (also known as E8SV or p.S275_Q298del), has been identified at least 47 individuals with cholesterol ester storage disease with variable ages of diagnoses, including at least 20 homozygotes and 27 compound heterozygotes (Klima et al. 1993; Ameis et al. 1995; Anderson et al. 1999; Fasano et al. 2012; Stitziel et al. 2013; Lin et al. 2015; Chora et al. 2017). Among individuals homozygous for the p.Gln298Gln variant, four were children or young adults clinically suspected of having familial hypercholesterolemia (FH) in whom no disease-causing variant had been identified in any FH gene (Stitziel et al. 2013; Chora et al. 2017). The p.Gln298Gln variant was also found in at least four unaffected individuals in a heterozygous state (Klima et al. 1993; Ameis et al. 1995). The p.Gln298Gln variant was absent from four control subjects and is reported at a frequency of 0.001392 in the other population of the Genome Aggregation Database. Expression analysis in patient fibroblasts found lysosomal acidic lipase (LAL) activity to be reduced to 2-16% of wild type (Klima et al. 1993; Ameis et al. 1995; Fasano et al. 2012). The p.Gln298Gln variant occurs in a canonical splice site and causes abnormal splicing resulting in an in-frame skipping of exon 8. Two transcripts are produced, one major non-functional abnormally spliced transcript missing exon 8 and one minor normally spliced transcript (3 - 5%) resulting in 5 - 10% residual LAL activity (Ameis et al. 1995; Anderson et al. 1999; Fasano et al. 2012; Hoffman et al. 2016). Transfection of the variant into COS-1 cells resulted in reduced cholesteryl esterase activity compared to controls (Anderson et al. 1999). Haplotype analysis suggests the p.Gln298Gln variant is likely to be a Mediterranean founder mutation (Fasano et al. 2012). Based on the collective evidence, the p.Gln298Gln variant is classified as pathogenic for LIPA-related disorders. This variant was observed by ICSL as part of a predisposition screen in an ostensibly healthy population.

Eurofins Ntd Llc (ga)
Classification: Pathogenic. Last evaluated: 2017-08-22. Review status: criteria provided, single submitter. Criteria: EGL Classification Definitions 2015. Collection method: clinical testing. Allele origin: germline. Observed: 11 variant alleles, 11 heterozygotes.

Genome Diagnostics Laboratory, University Medical Center Utrecht
Classification: Likely pathogenic for Cholesteryl ester storage disease. Last evaluated: 2017-07-28. Review status: criteria provided, single submitter. Criteria: ACGS Guidelines, 2013. Collection method: clinical testing. Allele origin: germline. Affected: yes. Study: VKGL Data-share Consensus.

Lifecell International Pvt. Ltd
Classification: Likely pathogenic for Cholesteryl ester storage disease. Review status: criteria provided, single submitter. Criteria: ACMG Guidelines, 2015. Collection method: clinical testing. Allele origin: germline. Inheritance: Autosomal recessive inheritance. Affected: yes. Observed: 1 compound heterozygote.
Comment: A Heterozygous Synonymous variant c.894G>A in Exon 8 of the LIPA gene that results in the amino acid substitution p.Gln298Gln was identified. The observed variant has a maximum allele frequency of 0.00091/0.00083% in gnomAD exomes and genomes, respectively. The severity of the impact of this variant on the protein is high, based on the effect of the protein and REVEL score . Rare Exome Variant Ensemble Learner (REVEL) is an ensembl method for predicting the pathogenicity of missense variants based on a combination of scores from 13 individual tools: MutPred, FATHMM v2.3, VEST 3.0, PolyPhen-2, SIFT, PROVEAN, MutationAssessor, MutationTaster, LRT, GERP++, SiPhy, phyloP, and phastCons. The REVEL score for an individual missense variant can range from 0 to 1, with higher scores reflecting greater likelihood that the variant is diseasecausing. ClinVar has also classified this variant as Pathogenic/ LikelyPathogenic (Variant ID: 203361). This variant was reported among patients for Wolman Disease and cholesteryl ester storage disease. (Fasano T et al, 2012). Based on the above evidence this variant has been classified as Likely Pathogenic according to the ACMG guidelines.

Neuberg Centre For Genomic Medicine, NCGM
Classification: Pathogenic for Cholesteryl ester storage disease. Review status: criteria provided, single submitter. Criteria: ACMG Guidelines, 2015. Collection method: clinical testing. Allele origin: germline. Inheritance: Autosomal recessive inheritance. Affected: yes.
Comment: The splice region and synonymous c.894G>Ap.Gln298 variant in LIPA gene has been reported previously in homozygous state in individuals affected with cholesteryl ester storage disease and is estimated to be carried by 40-60% of affected individuals Bernstein et al., 2013. Experimental studies have shown that this variant affects LIPA function Pagani et al., 1998. This variant is reported with the allele frequency of 0.09% in the gnomAD Exomes and novel in 1000 Genomes. This variant has been reported to the ClinVar database as Likely Pathogenic / Pathogenic multiple submitters. This variant creates a cryptic splice donor site within exon 8 and causes abnormal gene splicing. The spliceAI tool predicts that this splice site variant is damaging. For these reasons, this variant has been classified as Pathogenic.

Suma Genomics
Classification: Pathogenic for Cholesteryl ester storage disease. Review status: criteria provided, single submitter. Criteria: ACMG Guidelines, 2015. Collection method: clinical testing. Allele origin: inherited. Inheritance: Autosomal recessive inheritance. Affected: yes.

Cardiovascular Genetics Laboratory, PathWest Laboratory Medicine WA - Fiona Stanley Hospital
Classification: Pathogenic for Cholesteryl ester storage disease. Last evaluated: 2023-07-25. Review status: no assertion criteria provided. Criteria: ACMG Guidelines, 2015. Collection method: clinical testing. Allele origin: germline. Affected: yes. Not counted in ClinVar's aggregate classification.

Division of Human Genetics, Children's Hospital of Philadelphia
Classification: Pathogenic for Cholesteryl ester storage disease. Last evaluated: 2014-12-12. Review status: no assertion criteria provided. Collection method: research. Allele origin: germline. Affected: no. Study: CSER-PediSeq. Not counted in ClinVar's aggregate classification.
Comment: This is a well documented pathogenic variant (Kilma et al. 1993, PMID: 8254026; Fasano et al. 2012, PMID: 22227072) in the last base of exon 8 (canonical splice site). The variant has been shown to result in a major non-functional transcript (with skipping of exon 8), and a minor normally spliced protein with 5-10% residual enzyme activity (Kilma et al. 1993, PMID: 8254026; Fasano et al. 2012, PMID: 22227072).

OMIM
Classification: Pathogenic for CHOLESTERYL ESTER STORAGE DISEASE. Last evaluated: 1996-04-01. Review status: no assertion criteria provided. Collection method: literature only. Allele origin: germline. Not counted in ClinVar's aggregate classification.

Clinic of Clinical Immunology with Stem Cell Bank, Expert Centre for Rare Diseases - PID, University Hospital "Alexandrovska"
Classification: Pathogenic for Cholesteryl ester storage disease. Review status: no assertion criteria provided. Collection method: clinical testing. Allele origin: germline. Not counted in ClinVar's aggregate classification.

Clinical Genetics DNA and cytogenetics Diagnostics Lab, Erasmus MC, Erasmus Medical Center
Classification: Likely pathogenic. Review status: no assertion criteria provided. Collection method: clinical testing. Allele origin: germline. Affected: yes. Study: VKGL Data-share Consensus. Not counted in ClinVar's aggregate classification.

Clinical Genetics, Academic Medical Center
Classification: Pathogenic. Review status: no assertion criteria provided. Collection method: clinical testing. Allele origin: germline. Affected: yes. Study: VKGL Data-share Consensus. Not counted in ClinVar's aggregate classification.

Dr. Peter K. Rogan Lab, Western University
No classification provided (evidence only). Condition: Malignant tumor of urinary bladder. Review status: no classification provided. Collection method: in vitro. Allele origin: not applicable. Functional consequence: skipped exon. Not counted in ClinVar's aggregate classification.

Dr. Peter K. Rogan Lab, Western University
No classification provided (evidence only). Condition: Malignant tumor of urinary bladder. Review status: no classification provided. Collection method: in vitro. Allele origin: not applicable. Functional consequence: skipped exon. Not counted in ClinVar's aggregate classification.

Dr. Peter K. Rogan Lab, Western University
No classification provided (evidence only). Condition: Lung cancer. Review status: no classification provided. Collection method: in vitro. Allele origin: not applicable. Functional consequence: skipped exon. Not counted in ClinVar's aggregate classification.

Dr. Peter K. Rogan Lab, Western University
No classification provided (evidence only). Condition: Lung cancer. Review status: no classification provided. Collection method: in vitro. Allele origin: not applicable. Functional consequence: skipped exon. Not counted in ClinVar's aggregate classification.

Dr. Peter K. Rogan Lab, Western University
No classification provided (evidence only). Condition: Melanoma. Review status: no classification provided. Collection method: in vitro. Allele origin: not applicable. Functional consequence: skipped exon, retained intron. Not counted in ClinVar's aggregate classification.

Dr. Peter K. Rogan Lab, Western University
No classification provided (evidence only). Condition: Familial cancer of breast. Review status: no classification provided. Collection method: in vitro. Allele origin: not applicable. Functional consequence: skipped exon. Not counted in ClinVar's aggregate classification.

Dr. Peter K. Rogan Lab, Western University
No classification provided (evidence only). Condition: Familial cancer of breast. Review status: no classification provided. Collection method: in vitro. Allele origin: not applicable. Functional consequence: skipped exon, retained intron. Not counted in ClinVar's aggregate classification.

Dr. Peter K. Rogan Lab, Western University
No classification provided (evidence only). Condition: Acute myeloid leukemia. Review status: no classification provided. Collection method: in vitro. Allele origin: not applicable. Functional consequence: skipped exon. Not counted in ClinVar's aggregate classification.

Dr. Peter K. Rogan Lab, Western University
No classification provided (evidence only). Condition: Colorectal cancer. Review status: no classification provided. Collection method: in vitro. Allele origin: not applicable. Functional consequence: skipped exon, retained intron. Not counted in ClinVar's aggregate classification.